The following is an entry in ClinVar:

ClinVar aggregate classification (germline): Uncertain significance. Review status: criteria provided, multiple submitters, no conflicts (2 of 4 stars). 8 submissions from 6 submitters: Uncertain significance (8). Last evaluated 2024-07-30.

Conditions:
Nephronophthisis. Also called: Juvenile Nephronophthisis. Identifiers: Orphanet 655, MedGen C0687120, MONDO:0019005, HP:0000090.
Nephronophthisis 3 (NPHP3). Also called: Adolescent nephronophthisis. Identifiers: Orphanet 655, MedGen C1858392, MONDO:0011456, OMIM 604387.
NPHP3-related Meckel-like syndrome. Also called: Meckel syndrome type 7; GOLDSTON SYNDROME. Identifiers: Orphanet 3032, MedGen C2673885, MONDO:0009966, OMIM 267010.
Renal-hepatic-pancreatic dysplasia 1 (RHPD1). Identifiers: MedGen C3715199, MONDO:0008833, OMIM 208540.
Inborn genetic diseases. Identifiers: MedGen C0950123, MeSH D030342.

Allele frequency attached by ClinVar (database versions not stated): gnomAD 0.00007 and 0.00008; TOPMed 0.00009; ESP Exome Variant Server 0.00015; 1000 Genomes Project 0.00020; 1000 Genomes Project 30x 0.00031.
gnomAD v4.1: 138 of 1,610,002 alleles (0.0086%); highest among the groups gnomAD compares: Non-Finnish European, 0.011%; no homozygotes.

Submissions (8):

Blueprint Genetics
Classification: Uncertain significance. Last evaluated: 2024-07-30. Review status: criteria provided, single submitter. Criteria: ACMG Guidelines, 2015. Collection method: clinical testing. Allele origin: germline.

Ambry Genetics
Classification: Uncertain significance for Inborn genetic diseases. Last evaluated: 2023-09-20. Review status: criteria provided, single submitter. Criteria: Ambry Variant Classification Scheme 2023. Collection method: clinical testing. Allele origin: germline.

Labcorp Genetics (formerly Invitae), Labcorp
Classification: Uncertain significance for Nephronophthisis. Last evaluated: 2022-06-27. Review status: criteria provided, single submitter. Criteria: Invitae Variant Classification Sherloc (09022015). Collection method: clinical testing. Allele origin: germline.
Comment: This sequence change replaces glutamine, which is neutral and polar, with histidine, which is basic and polar, at codon 511 of the NPHP3 protein (p.Gln511His). This variant is present in population databases (rs368126549, gnomAD 0.006%). This variant has not been reported in the literature in individuals affected with NPHP3-related conditions. ClinVar contains an entry for this variant (Variation ID: 291053). Algorithms developed to predict the effect of missense changes on protein structure and function are either unavailable or do not agree on the potential impact of this missense change (SIFT: "Deleterious"; PolyPhen-2: "Benign"; Align-GVGD: "Class C0"). In summary, the available evidence is currently insufficient to determine the role of this variant in disease. Therefore, it has been classified as a Variant of Uncertain Significance.

Fulgent Genetics
Classification: Uncertain significance for Renal-hepatic-pancreatic dysplasia 1; NPHP3-related Meckel-like syndrome; Nephronophthisis 3. Last evaluated: 2021-09-27. Review status: criteria provided, single submitter. Criteria: ACMG Guidelines, 2015. Collection method: clinical testing. Allele origin: unknown.

Illumina Laboratory Services, Illumina
Classification: Uncertain significance for NPHP3-related Meckel-like syndrome. Last evaluated: 2018-03-02. Review status: criteria provided, single submitter. Criteria: ICSL Variant Classification Criteria 13 December 2019. Collection method: clinical testing. Allele origin: germline.

Illumina Laboratory Services, Illumina
Classification: Uncertain significance for Renal-hepatic-pancreatic dysplasia 1. Last evaluated: 2018-03-02. Review status: criteria provided, single submitter. Criteria: ICSL Variant Classification Criteria 13 December 2019. Collection method: clinical testing. Allele origin: germline.

Illumina Laboratory Services, Illumina
Classification: Uncertain significance for Nephronophthisis 3. Last evaluated: 2018-03-02. Review status: criteria provided, single submitter. Criteria: ICSL Variant Classification Criteria 13 December 2019. Collection method: clinical testing. Allele origin: germline.

Eurofins Ntd Llc (ga)
Classification: Uncertain significance. Last evaluated: 2016-09-22. Review status: criteria provided, single submitter. Criteria: EGL Classification Definitions 2015. Collection method: clinical testing. Allele origin: germline. Observed: 1 variant allele, 1 heterozygote.

NM_153240.5(NPHP3):c.1533A>T (p.Gln511His)

Genes: NPHP3 (nephrocystin 3; minus strand), NPHP3-ACAD11 (NPHP3-ACAD11 readthrough (NMD candidate); minus strand). Cytogenetic location: 3q22.1.
Variant type: single nucleotide variant.
Coding change: c.1533A>T on transcript NM_153240.5 (MANE Select); coding-DNA position 1533, A replaced by T.
Protein change: p.Gln511His; replaces glutamine 511 with histidine.
Molecular consequence: missense variant. On other transcripts: non-coding transcript variant (1).
Genome position (GRCh38, 1-based): chr3:132,701,525, T>A on the plus strand (A>T on the coding strand, the complement: NPHP3 is on the minus strand). VCF-style: chr3-132701525-T-A. GRCh37 (hg19) VCF-style: chr3-132420369-T-A.
Other names: short protein forms Q511H.
Identifiers: ClinVar variation 291053 (VCV000291053.15), dbSNP rs368126549, ClinGen allele CA2622266.